The following is an entry in ClinVar:

NM_003001.5(SDHC):c.455G>T (p.Gly152Val)

Gene: SDHC (succinate dehydrogenase complex subunit C; plus strand). Cytogenetic location: 1q23.3.
Variant type: single nucleotide variant.
Coding change: c.455G>T on transcript NM_003001.5 (MANE Select); coding-DNA position 455, G replaced by T.
Protein change: p.Gly152Val; replaces glycine 152 with valine.
Molecular consequence: missense variant.
Genome position (GRCh38, 1-based): chr1:161,362,378, G>T. VCF-style: chr1-161362378-G-T. GRCh37 (hg19) VCF-style: chr1-161332168-G-T.
Other names: c.291G>T, p.Trp97Cys (NM_001035511.3); c.353G>T, p.Gly118Val (NM_001035512.3); c.296G>T, p.Gly99Val (NM_001035513.3); c.189G>T, p.Trp63Cys (NM_001278172.3); c.575G>T, p.Gly192Val (NM_001407115.1); c.398G>T, p.Gly133Val (NM_001407116.1); c.392G>T, p.Gly131Val (NM_001407117.1); c.347G>T, p.Gly116Val (NM_001407118.1); and 2 more; short protein forms G152V, G118V, W97C, G99V, W63C, G131V, G192V, G115V.
Identifiers: ClinVar variation 407047 (VCV000407047.6), dbSNP rs1060501386, ClinGen allele CA16609925.
Genomic context (GRCh38, chr1:161,362,378, plus strand): 5'-TTTGTCCACAGATGTGGGACCTAGGAAAAGGCCTGAAGATTCCCCAGCTATACCAGTCTG[G>T]AGTGGTTGTCCTGGTTCTTACTGTGTTGTCCTCTATGGGGCTGGCAGCCATGTGAAGAAA-3'
Protein context (NP_002992.1, residues 142-162): GLKIPQLYQS[Gly152Val]VVVLVLTVLS

ClinVar aggregate classification (germline): Uncertain significance (1 of 4 stars; one submission).

Conditions:
Pheochromocytoma/paraganglioma syndrome 3. Also called: GLOMUS TUMORS, FAMILIAL, 3; SDHC-Related Hereditary Paraganglioma-Pheochromocytoma Syndrome (Paragangliomas 3); Paragangliomas 3; SDHC-Related Hereditary Paraganglioma-Pheochromocytoma Syndrome. Identifiers: Orphanet 29072, MedGen C1854336, MONDO:0011544, OMIM 605373.
Gastrointestinal stromal tumor. Also called: Gastrointestinal stromal tumor, somatic; Gastrointestinal stroma tumor. Identifiers: Orphanet 44890, MedGen C0238198, MeSH D046152, MONDO:0011719, OMIM 606764, HP:0100723.

Submission:

Labcorp Genetics (formerly Invitae), Labcorp
Classification: Uncertain significance for Pheochromocytoma/paraganglioma syndrome 3; Gastrointestinal stromal tumor. Last evaluated: 2024-04-05. Review status: criteria provided, single submitter. Criteria: Invitae Variant Classification Sherloc (09022015). Collection method: clinical testing. Allele origin: germline.
Comment: This sequence change replaces glycine, which is neutral and non-polar, with valine, which is neutral and non-polar, at codon 152 of the SDHC protein (p.Gly152Val). This variant is not present in population databases (gnomAD no frequency). This variant has not been reported in the literature in individuals affected with SDHC-related conditions. ClinVar contains an entry for this variant (Variation ID: 407047). Advanced modeling of protein sequence and biophysical properties (such as structural, functional, and spatial information, amino acid conservation, physicochemical variation, residue mobility, and thermodynamic stability) performed at Invitae indicates that this missense variant is expected to disrupt SDHC protein function with a positive predictive value of 80%. In summary, the available evidence is currently insufficient to determine the role of this variant in disease. Therefore, it has been classified as a Variant of Uncertain Significance.